The following is an entry in ClinVar:

ClinVar aggregate classification (germline): Uncertain significance (1 of 4 stars; one submission).

Submission:

Labcorp Genetics (formerly Invitae), Labcorp
Classification: Uncertain significance. Last evaluated: 2023-04-09. Review status: criteria provided, single submitter. Criteria: Invitae Variant Classification Sherloc (09022015). Collection method: clinical testing. Allele origin: germline.
Comment: In summary, the available evidence is currently insufficient to determine the role of this variant in disease. Therefore, it has been classified as a Variant of Uncertain Significance. Experimental studies and prediction algorithms are not available or were not evaluated, and the effect of this variant on mRNA splicing is currently unknown. This variant has not been reported in the literature in individuals affected with RHOBTB2-related conditions. Information on the frequency of this variant in the gnomAD database is not available, as this variant may be reported differently in the database. This sequence change falls in intron 5 of the RHOBTB2 gene. It does not directly change the encoded amino acid sequence of the RHOBTB2 protein.

NM_015178.3(RHOBTB2):c.296+15_296+16delinsCG

Gene: RHOBTB2 (Rho related BTB domain containing 2; plus strand). Cytogenetic location: 8p21.3.
Variant type: Indel.
Coding change: c.296+15_296+16delinsCG on transcript NM_015178.3 (MANE Select); bases 15 to 16 of the intron after coding-DNA position 296, TA replaced by CG.
Molecular consequence: intron variant.
Genome position (GRCh38, 1-based): chr8:23,005,490-23,005,491, TA replaced by CG. VCF-style: chr8-23005490-TA-CG. GRCh37 (hg19) VCF-style: chr8-22863003-TA-CG.
Other names: c.362+15_362+16delinsCG (NM_001160036.2); c.317+15_317+16delinsCG (NM_001160037.2); c.296+15_296+16delinsCG (NM_001374791.1).
Identifiers: ClinVar variation 2876492 (VCV002876492.3), dbSNP rs2486999183, ClinGen allele CA2739279317.